The following is an entry in ClinVar:

NM_001377.3(DYNC2H1):c.11871_11874del (p.Asn3957fs)

Gene: DYNC2H1 (dynein cytoplasmic 2 heavy chain 1; plus strand). Cytogenetic location: 11q22.3.
Variant type: Deletion.
Coding change: c.11871_11874del on transcript NM_001377.3 (MANE Select); coding-DNA positions 11871 to 11874, 4 bases deleted (CCAA; older notation c.11871_11874delCCAA).
Protein change: p.Asn3957fs; shifts the reading frame from asparagine 3957.
Molecular consequence: frameshift variant.
Genome position (GRCh38, 1-based): chr11:103,321,174-103,321,177, CCAA deleted; deleting any 4 consecutive bases within chr11:103,321,171-103,321,177 gives the same sequence; the c. name uses the placement nearest the transcript's 3' end. VCF-style (leftmost placement, unchanged base first): chr11-103321170-TCAAC-T. GRCh37 (hg19) VCF-style: chr11-103191899-TCAAC-T.
Other names: c.11892_11895del, p.Asn3964fs (NM_001080463.2); short protein forms N3957fs, N3964fs.
Identifiers: ClinVar variation 3776069 (VCV003776069.1).

ClinVar aggregate classification (germline): Likely pathogenic (1 of 4 stars; one submission).

Conditions:
Asphyxiating thoracic dystrophy 3. Also called: SHORT-RIB THORACIC DYSPLASIA 3 WITH OR WITHOUT POLYDACTYLY; POLYDACTYLY WITH NEONATAL CHONDRODYSTROPHY, TYPE I; SHORT-RIB THORACIC DYSPLASIA 3/6 WITH POLYDACTYLY, DIGENIC; Short rib polydactyly syndrome 2B; Saldino-Noonan Syndrome. Identifiers: Orphanet 474, Orphanet 93269, Orphanet 93270, Orphanet 93271, MedGen C0036069, MONDO:0013127, OMIM 613091.

Submission:

3billion
Classification: Likely pathogenic for Asphyxiating thoracic dystrophy 3. Last evaluated: 2023-06-30. Review status: criteria provided, single submitter. Criteria: ACMG Guidelines, 2015. Collection method: clinical testing. Allele origin: germline. Affected: yes.
Comment: The variant is not observed in the gnomAD v2.1.1 dataset. Predicted Consequence/Location: Frameshift: predicted to result in a loss or disruption of normal protein function through nonsense-mediated decay (NMD) or protein truncation. Multiple pathogenic variants are reported downstream of the variant. Therefore, this variant is classified as Likely pathogenic according to the recommendation of ACMG/AMP guideline.